The following is an entry in ClinVar:

NM_001378452.1(ITPR1):c.3871T>C (p.Phe1291Leu)

Gene: ITPR1 (inositol 1,4,5-trisphosphate receptor type 1; plus strand). Cytogenetic location: 3p26.1.
Variant type: single nucleotide variant.
Coding change: c.3871T>C on transcript NM_001378452.1 (MANE Select); coding-DNA position 3871, T replaced by C.
Protein change: p.Phe1291Leu; replaces phenylalanine 1291 with leucine.
Molecular consequence: missense variant.
Genome position (GRCh38, 1-based): chr3:4,691,186, T>C. VCF-style: chr3-4691186-T-C. GRCh37 (hg19) VCF-style: chr3-4732870-T-C.
Other names: c.3844T>C, p.Phe1282Leu (NM_001099952.4); c.3826T>C, p.Phe1276Leu (NM_001168272.2); c.3799T>C, p.Phe1267Leu (NM_002222.7); short protein forms F1291L, F1276L, F1282L, F1267L.
Identifiers: ClinVar variation 2855141 (VCV002855141.3), dbSNP rs2469818816, ClinGen allele CA351630471.

ClinVar aggregate classification (germline): Uncertain significance (1 of 4 stars; one submission).

Submission:

Labcorp Genetics (formerly Invitae), Labcorp
Classification: Uncertain significance. Last evaluated: 2023-06-24. Review status: criteria provided, single submitter. Criteria: Invitae Variant Classification Sherloc (09022015). Collection method: clinical testing. Allele origin: germline.
Comment: This variant has not been reported in the literature in individuals affected with ITPR1-related conditions. In summary, the available evidence is currently insufficient to determine the role of this variant in disease. Therefore, it has been classified as a Variant of Uncertain Significance. Advanced modeling of protein sequence and biophysical properties (such as structural, functional, and spatial information, amino acid conservation, physicochemical variation, residue mobility, and thermodynamic stability) performed at Invitae indicates that this missense variant is not expected to disrupt ITPR1 protein function. This variant is not present in population databases (gnomAD no frequency). This sequence change replaces phenylalanine, which is neutral and non-polar, with leucine, which is neutral and non-polar, at codon 1267 of the ITPR1 protein (p.Phe1267Leu).